The following is an entry in ClinVar:

ClinVar aggregate classification (germline): Uncertain significance (1 of 4 stars; one submission).

Conditions:
Norman-Roberts syndrome (LIS2). Also called: Lissencephaly 2 (Norman-Roberts type). Identifiers: Orphanet 89844, MedGen C0796089, MONDO:0009760, OMIM 257320.
Familial temporal lobe epilepsy 7. Identifiers: Orphanet 101046, MedGen C4225327, MONDO:0014639, OMIM 616436.

Submission:

Labcorp Genetics (formerly Invitae), Labcorp
Classification: Uncertain significance for Familial temporal lobe epilepsy 7; Norman-Roberts syndrome. Last evaluated: 2022-06-24. Review status: criteria provided, single submitter. Criteria: Invitae Variant Classification Sherloc (09022015). Collection method: clinical testing. Allele origin: germline.
Comment: In summary, the available evidence is currently insufficient to determine the role of this variant in disease. Therefore, it has been classified as a Variant of Uncertain Significance. Algorithms developed to predict the effect of missense changes on protein structure and function output the following: SIFT: "Tolerated"; PolyPhen-2: "Benign"; Align-GVGD: "Class C0". The asparagine amino acid residue is found in multiple mammalian species, which suggests that this missense change does not adversely affect protein function. This variant has not been reported in the literature in individuals affected with RELN-related conditions. This variant is not present in population databases (gnomAD no frequency). This sequence change replaces serine, which is neutral and polar, with asparagine, which is neutral and polar, at codon 1110 of the RELN protein (p.Ser1110Asn).

NM_005045.4(RELN):c.3329G>A (p.Ser1110Asn)

Gene: RELN (reelin; minus strand). Cytogenetic location: 7q22.1.
Variant type: single nucleotide variant.
Coding change: c.3329G>A on transcript NM_005045.4 (MANE Select); coding-DNA position 3329, G replaced by A.
Protein change: p.Ser1110Asn; replaces serine 1110 with asparagine.
Molecular consequence: missense variant.
Genome position (GRCh38, 1-based): chr7:103,603,308, C>T on the plus strand (G>A on the coding strand, the complement: RELN is on the minus strand). VCF-style: chr7-103603308-C-T. GRCh37 (hg19) VCF-style: chr7-103243755-C-T.
Other names: c.3329G>A, p.Ser1110Asn (NM_173054.3); short protein forms S1110N.
Identifiers: ClinVar variation 2010341 (VCV002010341.4), dbSNP rs2484734959, ClinGen allele CA368762754.
Genomic context (GRCh38, chr7:103,603,308, plus strand): 5'-AGTCTCATATTAAACTAGCCATTGCCCCGATGACTTATCCCAGCTGTTGGTCATACCTTG[C>T]TGAAGTACAGAGATGATCCAGAAGAGATGACACCACACCCTTGTTCTGGTTTTACAATTT-3'
Protein context (NP_005036.2, residues 1100-1120): VISSGSSLYF[Ser1110Asn]KAGKRQLVSW